The following is an entry in ClinVar:

NM_001009944.3(PKD1):c.11650del (p.Ser3884fs)

Genes: PKD1 (polycystin 1, transient receptor potential channel interacting; minus strand), PKD1-AS1 (PKD1 antisense RNA 1; plus strand). Cytogenetic location: 16p13.3.
Variant type: Deletion.
Coding change: c.11650del on transcript NM_001009944.3 (MANE Select); coding-DNA position 11650, one base deleted (A; older notation c.11650delA).
Protein change: p.Ser3884fs; shifts the reading frame from serine 3884.
Molecular consequence: frameshift variant. On other transcripts: non-coding transcript variant (1).
Genome position (GRCh38, 1-based): chr16:2,091,485, T deleted on the plus strand (A on the coding strand, the reverse complement: PKD1 is on the minus strand). VCF-style (leftmost placement, unchanged base first): chr16-2091484-CT-C. GRCh37 (hg19) VCF-style: chr16-2141485-CT-C.
Other names: c.11647del, p.Ser3883fs (NM_000296.4); short protein forms S3883fs, S3884fs.
Identifiers: ClinVar variation 3066321 (VCV003066321.1), dbSNP rs2544614260, ClinGen allele CA2740097822.

ClinVar aggregate classification (germline): Pathogenic (1 of 4 stars; one submission).

Conditions:
Polycystic kidney disease, adult type (PKD1). Also called: Polycystic Kidney, Autosomal Dominant; POLYCYSTIC KIDNEY DISEASE 1 WITH OR WITHOUT POLYCYSTIC LIVER DISEASE; Polycystic Kidney Disease 1, Autosomal Dominant; Polycystic kidney disease 1; Polycystic kidney disease 1, severe; POLYCYSTIC KIDNEY DISEASE, ADULT, TYPE I. Identifiers: MedGen C3149841, MONDO:0008263, OMIM 173900.

Submission:

MVZ Medizinische Genetik Mainz
Classification: Pathogenic for Polycystic kidney disease, adult type. Last evaluated: 2022-11-07. Review status: criteria provided, single submitter. Criteria: UK Practice Guidelines For Variant Classification V4 01 2020. Collection method: clinical testing. Allele origin: germline. Inheritance: Autosomal dominant inheritance. Affected: yes. Observed: 1 variant allele.
Comment: ACMG Criteria: PVS1, PM2_SUP, PP4